The following is an entry in ClinVar:

ClinVar aggregate classification (germline): Uncertain significance. Review status: criteria provided, multiple submitters, no conflicts (2 of 4 stars). 2 submissions from 2 submitters: Uncertain significance (2). Last evaluated 2025-02-24.

gnomAD v4.1: 2 of 1,211,714 alleles (0.00017%); highest among the groups gnomAD compares: Non-Finnish European, 0.00022%; no homozygotes.

Submissions (2):

Labcorp Genetics (formerly Invitae), Labcorp
Classification: Uncertain significance. Last evaluated: 2025-02-24. Review status: criteria provided, single submitter. Criteria: Invitae Variant Classification Sherloc (09022015). Collection method: clinical testing. Allele origin: germline.
Comment: This sequence change replaces cysteine, which is neutral and slightly polar, with phenylalanine, which is neutral and non-polar, at codon 967 of the NEXMIF protein (p.Cys967Phe). This variant is present in population databases (no rsID available, gnomAD 0.008%). This variant has not been reported in the literature in individuals affected with NEXMIF-related conditions. ClinVar contains an entry for this variant (Variation ID: 3404547). An algorithm developed to predict the effect of missense changes on protein structure and function (PolyPhen-2) suggests that this variant is likely to be disruptive. In summary, the available evidence is currently insufficient to determine the role of this variant in disease. Therefore, it has been classified as a Variant of Uncertain Significance.

Ambry Genetics
Classification: Uncertain significance. Last evaluated: 2024-07-30. Review status: criteria provided, single submitter. Criteria: Ambry Variant Classification Scheme 2023. Collection method: clinical testing. Allele origin: germline.

NM_001008537.3(NEXMIF):c.2900G>T (p.Cys967Phe)

Gene: NEXMIF (neurite extension and migration factor; minus strand). Cytogenetic location: Xq13.3.
Variant type: single nucleotide variant.
Coding change: c.2900G>T on transcript NM_001008537.3 (MANE Select); coding-DNA position 2900, G replaced by T.
Protein change: p.Cys967Phe; replaces cysteine 967 with phenylalanine.
Molecular consequence: missense variant.
Genome position (GRCh38, 1-based): chrX:74,741,657, C>A on the plus strand (G>T on the coding strand, the complement: NEXMIF is on the minus strand). VCF-style: chrX-74741657-C-A. GRCh37 (hg19) VCF-style: chrX-73961492-C-A.
Other names: short protein forms C967F.
Identifiers: ClinVar variation 3404547 (VCV003404547.3).